The following is an entry in ClinVar:

ClinVar aggregate classification (germline): Uncertain significance (1 of 4 stars; one submission).

gnomAD v4.1: 5 of 1,611,398 alleles (0.00031%); highest among the groups gnomAD compares: South Asian, 0.0056%; no homozygotes.

Submission:

Ambry Genetics
Classification: Uncertain significance. Last evaluated: 2024-05-24. Review status: criteria provided, single submitter. Criteria: Ambry Variant Classification Scheme 2023. Collection method: clinical testing. Allele origin: germline.
Comment: The p.R1466G variant (also known as c.4396A>G), located in coding exon 16 of the POLQ gene, results from an A to G substitution at nucleotide position 4396. The arginine at codon 1466 is replaced by glycine, an amino acid with dissimilar properties. This amino acid position is conserved. In addition, this alteration is predicted to be tolerated by in silico analysis. Based on the available evidence, the clinical significance of this variant remains unclear.

NM_199420.4(POLQ):c.4396A>G (p.Arg1466Gly)

Gene: POLQ (DNA polymerase theta; minus strand). Cytogenetic location: 3q13.33.
Variant type: single nucleotide variant.
Coding change: c.4396A>G on transcript NM_199420.4 (MANE Select); coding-DNA position 4396, A replaced by G.
Protein change: p.Arg1466Gly; replaces arginine 1466 with glycine.
Molecular consequence: missense variant.
Genome position (GRCh38, 1-based): chr3:121,488,535, T>C on the plus strand (A>G on the coding strand, the complement: POLQ is on the minus strand). VCF-style: chr3-121488535-T-C. GRCh37 (hg19) VCF-style: chr3-121207382-T-C.
Other names: short protein forms R1466G.
Identifiers: ClinVar variation 3308562 (VCV003308562.1).